The following is an entry in ClinVar:

NM_000038.6(APC):c.7085G>C (p.Gly2362Ala)

Gene: APC (APC regulator of Wnt signaling pathway; plus strand). Cytogenetic location: 5q22.2.
Variant type: single nucleotide variant.
Coding change: c.7085G>C on transcript NM_000038.6 (MANE Select); coding-DNA position 7085, G replaced by C.
Protein change: p.Gly2362Ala; replaces glycine 2362 with alanine.
Molecular consequence: missense variant.
Genome position (GRCh38, 1-based): chr5:112,842,679, G>C. VCF-style: chr5-112842679-G-C. GRCh37 (hg19) VCF-style: chr5-112178376-G-C.
Other names: c.7085G>C, p.Gly2362Ala (NM_001354895.2, NM_001127510.3); c.7139G>C, p.Gly2380Ala (NM_001354896.2); c.7115G>C, p.Gly2372Ala (NM_001354897.2); c.7010G>C, p.Gly2337Ala (NM_001354898.2); c.7001G>C, p.Gly2334Ala (NM_001354899.2); c.6962G>C, p.Gly2321Ala (NM_001354900.2); c.6908G>C, p.Gly2303Ala (NM_001354901.2); c.6812G>C, p.Gly2271Ala (NM_001354902.2); and 5 more; short protein forms G2362A, G2344A, G2236A, G2261A, G2321A, G2337A, G2202A, G2303A.
Identifiers: ClinVar variation 482469 (VCV000482469.59), dbSNP rs756740976, ClinGen allele CA16036765.
Genomic context (GRCh38, chr5:112,842,679, plus strand): 5'-TATCTCAACTTCCAAGGACATCATCCCCTAGTACTGCTTCAACTAAGTCCTCAGGTTCTG[G>C]AAAAATGTCATATACATCTCCAGGTAGACAGATGAGCCAACAGAACCTTACCAAACAAAC-3'
Protein context (NP_000029.2, residues 2352-2372): STASTKSSGS[Gly2362Ala]KMSYTSPGRQ

ClinVar aggregate classification (germline): Uncertain significance. Review status: criteria provided, multiple submitters, no conflicts (2 of 4 stars). 4 submissions from 4 submitters: Uncertain significance (4). Last evaluated 2026-01-06.

Conditions:
Familial adenomatous polyposis 1 (FAP1). Also called: FAMILIAL ADENOMATOUS POLYPOSIS 1, ATTENUATED; POLYPOSIS, ADENOMATOUS INTESTINAL. Identifiers: MedGen C2713442, MONDO:0021056, OMIM 175100. Disease mechanism: loss of function.
Hepatocellular carcinoma (HCC). Also called: Primary carcinoma of liver; HEPATOMA; LIVER CELL CARCINOMA. Identifiers: Orphanet 88673, MedGen C2239176, MONDO:0007256, OMIM 114550, HP:0001402.
Desmoid disease, hereditary (DESMD). Also called: FIBROMATOSIS, FAMILIAL INFILTRATIVE. Identifiers: Orphanet 873, MedGen C1851124, OMIM 135290. Disease mechanism: loss of function.
Gastric adenocarcinoma and proximal polyposis of the stomach (GAPPS). Also called: POLYPOSIS, GASTRIC; Gastric Adenocarcinoma and Proximal Polyposis of the Stomach (GAPPS); Polyposis, gastric, Dos Santos and de Magalhaes 1980. Identifiers: Orphanet 314022, MedGen C4749917, MONDO:0017790, OMIM 619182.
Gastric cancer. Also called: Stomach cancer; Malignant tumor of stomach. Identifiers: MedGen C0024623, MeSH D013274, MONDO:0001056, OMIM 613659, HP:0012126.
Colorectal cancer. Also called: Colorectal cancer, somatic; Malignant Colorectal Neoplasm. Identifiers: MedGen C0346629, MONDO:0005575, OMIM 114500.
Hereditary cancer-predisposing syndrome. Also called: Tumor predisposition; Hereditary neoplastic syndrome; Hereditary Cancer Syndrome; Neoplastic Syndromes, Hereditary. Identifiers: Orphanet 140162, MedGen C0027672, MeSH D009386, MONDO:0015356.

gnomAD v4.1: 1 of 1,613,576 alleles (0.000062%); highest among the groups gnomAD compares: South Asian, 0.0011%; no homozygotes.

Submissions (4):

Labcorp Genetics (formerly Invitae), Labcorp
Classification: Uncertain significance for Familial adenomatous polyposis 1. Last evaluated: 2026-01-06. Review status: criteria provided, single submitter. Criteria: Invitae Variant Classification Sherloc (09022015). Collection method: clinical testing. Allele origin: germline.
Comment: This sequence change replaces glycine, which is neutral and non-polar, with alanine, which is neutral and non-polar, at codon 2362 of the APC protein (p.Gly2362Ala). The frequency data for this variant in the population databases is considered unreliable, as metrics indicate poor data quality at this position in the gnomAD database. This variant has not been reported in the literature in individuals affected with APC-related conditions. ClinVar contains an entry for this variant (Variation ID: 482469). Invitae Evidence Modeling of protein sequence and biophysical properties (such as structural, functional, and spatial information, amino acid conservation, physicochemical variation, residue mobility, and thermodynamic stability) indicates that this missense variant is not expected to disrupt APC protein function with a negative predictive value of 95%. In summary, the available evidence is currently insufficient to determine the role of this variant in disease. Therefore, it has been classified as a Variant of Uncertain Significance.

Fulgent Genetics
Classification: Uncertain significance for Colorectal cancer; Hepatocellular carcinoma; Desmoid disease, hereditary; Familial adenomatous polyposis 1; Gastric cancer; Gastric adenocarcinoma and proximal polyposis of the stomach. Last evaluated: 2024-05-31. Review status: criteria provided, single submitter. Criteria: ACMG Guidelines, 2015. Collection method: clinical testing. Allele origin: germline.

Ambry Genetics
Classification: Uncertain significance for Hereditary cancer-predisposing syndrome. Last evaluated: 2024-05-08. Review status: criteria provided, single submitter. Criteria: Ambry Variant Classification Scheme 2023. Collection method: clinical testing. Allele origin: germline.
Comment: The p.G2362A variant (also known as c.7085G>C), located in coding exon 15 of the APC gene, results from a G to C substitution at nucleotide position 7085. The glycine at codon 2362 is replaced by alanine, an amino acid with similar properties. Missense alterations in APC are not a common cause of disease (Spier I et al. Genet Med. 2024 Feb;26(2):100992). This amino acid position is well conserved in available vertebrate species. In addition, in silico predictors for this gene do not accurately predict pathogenicity. Based on the available evidence, the clinical significance of this variant remains unclear.

Color Diagnostics, LLC DBA Color Health
Classification: Uncertain significance for Hereditary cancer-predisposing syndrome. Last evaluated: 2024-03-06. Review status: criteria provided, single submitter. Criteria: ACMG Guidelines, 2015. Collection method: clinical testing. Allele origin: germline.
Comment: This missense variant replaces glycine with alanine at codon 2362 of the APC protein. Computational prediction is inconclusive regarding the impact of this variant on protein structure and function (internally defined REVEL score threshold 0.5 < inconclusive < 0.7, PMID: 27666373). Splice site prediction tools suggest that this variant may not impact RNA splicing. To our knowledge, functional studies have not been reported for this variant. This variant has not been reported in individuals affected with hereditary cancer in the literature. This variant has been identified in 1/249428 chromosomes in the general population by the Genome Aggregation Database (gnomAD). The available evidence is insufficient to determine the role of this variant in disease conclusively. Therefore, this variant is classified as a Variant of Uncertain Significance.